The following is an entry in ClinVar:

ClinVar aggregate classification (germline): Benign. Review status: criteria provided, multiple submitters, no conflicts (2 of 4 stars). 2 submissions from 2 submitters: Benign (2). Last evaluated 2026-09-21.

Allele frequency attached by ClinVar (database versions not stated): 1000 Genomes Project 0.44788; 1000 Genomes Project 30x 0.44894; gnomAD 0.49077 and 0.48996; ESP Exome Variant Server 0.48378; ExAC 0.52965; TOPMed 0.49057.
gnomAD v4.1: 876,039 of 1,612,174 alleles (54%); highest among the groups gnomAD compares: Admixed American, 63%; 241,822 homozygotes.

Submissions (3):

Molecular Diagnostic Laboratory for Inherited Cardiovascular Disease, Montreal Heart Institute
Classification: Benign. Last evaluated: 2026-09-21. Review status: criteria provided, single submitter. Criteria: ACMG Guidelines, 2015. Collection method: clinical testing. Allele origin: germline. Affected: no.
Comment: BA1

GeneDx
Classification: Benign. Last evaluated: 2018-06-23. Review status: criteria provided, single submitter. Criteria: GeneDx Variant Classification Process June 2021. Collection method: clinical testing. Allele origin: germline. Affected: yes.

Dr. Peter K. Rogan Lab, Western University
No classification provided (evidence only). Condition: Hepatocellular carcinoma. Review status: no classification provided. Collection method: in vitro. Allele origin: not applicable. Functional consequence: retained intron. Not counted in ClinVar's aggregate classification.

NM_020745.4(AARS2):c.1301-23T>G

Gene: AARS2 (alanyl-tRNA synthetase 2, mitochondrial; minus strand). Cytogenetic location: 6p21.1.
Variant type: single nucleotide variant.
Coding change: c.1301-23T>G on transcript NM_020745.4 (MANE Select); 23 bases into the intron before coding-DNA position 1301, T replaced by G.
Molecular consequence: intron variant.
Genome position (GRCh38, 1-based): chr6:44,305,809, A>C on the plus strand (T>G on the coding strand, the complement: AARS2 is on the minus strand). VCF-style: chr6-44305809-A-C. GRCh37 (hg19) VCF-style: chr6-44273546-A-C.
Other names: NC_000006.11:g.44273546A>C; c.1301-23T>G (NM_020745.3).
Identifiers: ClinVar variation 1234435 (VCV001234435.7), dbSNP rs324137, ClinGen allele CA3834367.
Genomic context (GRCh38, chr6:44,305,809, plus strand): 5'-CAGGTCTCCACACAGTGACAAGGACCAGGCCACTTCAGCTTTGAGAAAGAAAGACAAAGA[A>C]TGTTGAGGAGGGGAGGGATTAGACAAAGAAGGGGAGAAAAATAAGGTCCAGGGCCCTTCT-3'